The following is an entry in ClinVar:

ClinVar aggregate classification (germline): Likely benign (1 of 4 stars; one submission).

Allele frequency attached by ClinVar (database versions not stated): gnomAD 0.00014; ExAC 0.00015; TOPMed 0.00017; gnomAD exomes 0.00019.

Submission:

CeGaT Center for Human Genetics Tuebingen
Classification: Likely benign. Last evaluated: 2022-11-01. Review status: criteria provided, single submitter. Criteria: CeGaT Center For Human Genetics Tuebingen Variant Classification Criteria Version 2. Collection method: clinical testing. Allele origin: germline. Affected: yes. Observed: 1 variant allele.
Comment: UBR7: BP4

NM_175748.4(UBR7):c.466G>A (p.Val156Ile)

Gene: UBR7 (ubiquitin protein ligase E3 component n-recognin 7; plus strand). Cytogenetic location: 14q32.12.
Variant type: single nucleotide variant.
Coding change: c.466G>A on transcript NM_175748.4 (MANE Select); coding-DNA position 466, G replaced by A.
Protein change: p.Val156Ile; replaces valine 156 with isoleucine.
Molecular consequence: missense variant. On other transcripts: non-coding transcript variant (1).
Genome position (GRCh38, 1-based): chr14:93,214,953, G>A. VCF-style: chr14-93214953-G-A. GRCh37 (hg19) VCF-style: chr14-93681299-G-A.
Other names: c.13G>A, p.Val5Ile (NM_018108.2); short protein forms V156I, V5I.
Identifiers: ClinVar variation 2644474 (VCV002644474.24), dbSNP rs201726432, ClinGen allele CA7319853.